The following is an entry in ClinVar:

ClinVar aggregate classification (germline): Likely pathogenic (1 of 4 stars; one submission).

Submission:

Dasa
Classification: Likely pathogenic. Last evaluated: 2025-06-04. Review status: criteria provided, single submitter. Criteria: DASA Assertion Criteria. Collection method: clinical testing. Allele origin: germline.
Comment: NM_001931.5(DLAT):c.1022C>A (p.Ser341*) is a nonsense variant in DLAT predicted to introduce a premature termination codon and is predicted to result in an absent or altered protein product. Loss of function is an established disease mechanism for DLAT-associated disorders. Also, this variant is absent from population databases. Based on the currently available evidence, this variant is classified as likely pathogenic.

NM_001931.5(DLAT):c.1022C>A (p.Ser341Ter)

Gene: DLAT (dihydrolipoamide S-acetyltransferase; plus strand). Cytogenetic location: 11q23.1.
Variant type: single nucleotide variant.
Coding change: c.1022C>A on transcript NM_001931.5 (MANE Select); coding-DNA position 1022, C replaced by A.
Protein change: p.Ser341Ter; replaces serine 341 with a stop codon.
Molecular consequence: nonsense. On other transcripts: non-coding transcript variant (1).
Genome position (GRCh38, 1-based): chr11:112,039,290, C>A. VCF-style: chr11-112039290-C-A. GRCh37 (hg19) VCF-style: chr11-111910014-C-A.
Other names: c.560C>A, p.Ser187Ter (NM_001372042.1); c.1022C>A, p.Ser341Ter (NM_001372031.1, NM_001372032.1, NM_001372033.1 and 1 more transcripts); c.989C>A, p.Ser330Ter (NM_001372034.1); c.896C>A, p.Ser299Ter (NM_001372036.1); c.854C>A, p.Ser285Ter (NM_001372037.1); c.743C>A, p.Ser248Ter (NM_001372038.1); c.707C>A, p.Ser236Ter (NM_001372039.1, NM_001372041.1); c.641C>A, p.Ser214Ter (NM_001372040.1); short protein forms S187*, S214*, S236*, S248*, S285*, S299*, S330*, S341*.
Identifiers: ClinVar variation 4883119 (VCV004883119.2).